The following is an entry in ClinVar:

NM_001046.3(SLC12A2):c.1412A>C (p.Glu471Ala)

Gene: SLC12A2 (solute carrier family 12 member 2; plus strand). Cytogenetic location: 5q23.3.
Variant type: single nucleotide variant.
Coding change: c.1412A>C on transcript NM_001046.3 (MANE Select); coding-DNA position 1412, A replaced by C.
Protein change: p.Glu471Ala; replaces glutamic acid 471 with alanine.
Molecular consequence: missense variant. On other transcripts: non-coding transcript variant (1).
Genome position (GRCh38, 1-based): chr5:128,138,600, A>C. VCF-style: chr5-128138600-A-C. GRCh37 (hg19) VCF-style: chr5-127474292-A-C.
Other names: c.1412A>C, p.Glu471Ala (NM_001256461.2); short protein forms E471A.
Identifiers: ClinVar variation 2630496 (VCV002630496.1), dbSNP rs1379589279, ClinGen allele CA360743653.

ClinVar aggregate classification (germline): Uncertain significance (1 of 4 stars; one submission).

Conditions:
SLC12A2-related disorder. Also called: SLC12A2-related disorders; SLC12A2-related condition.

Allele frequency attached by ClinVar (database versions not stated): TOPMed 0.00001; gnomAD 0.00001.
gnomAD v4.1: 2 of 1,606,756 alleles (0.00012%); highest among the groups gnomAD compares: Non-Finnish European, 0.00017%; no homozygotes.

Submission:

PreventionGenetics, part of Exact Sciences
Classification: Uncertain significance for SLC12A2-related condition. Last evaluated: 2023-02-14. Review status: criteria provided, single submitter. Criteria: ACMG Guidelines, 2015. Collection method: clinical testing. Allele origin: germline.
Comment: The SLC12A2 c.1412A>C variant is predicted to result in the amino acid substitution p.Glu471Ala. To our knowledge, this variant has not been reported in the literature. This variant is reported in 0.00089% of alleles in individuals of European (Non-Finnish) descent in gnomAD. At this time, the clinical significance of this variant is uncertain due to the absence of conclusive functional and genetic evidence.